The following is an entry in ClinVar:

ClinVar aggregate classification (germline): Uncertain significance (1 of 4 stars; one submission).

Conditions:
Lessel-Kreienkamp syndrome. Identifiers: MedGen C5436892, MONDO:0030897, OMIM 619149.

Submission:

Pittsburgh Clinical Genomics Laboratory, University of Pittsburgh Medical Center
Classification: Uncertain significance for Lessel-Kreienkamp syndrome. Last evaluated: 2023-02-17. Review status: criteria provided, single submitter. Criteria: ACMG Guidelines, 2015. Collection method: clinical testing. Allele origin: germline. Inheritance: Autosomal dominant inheritance. Affected: yes.
Comment: This sequence variant is a single nucleotide substitution (T>A) at coding position 718 in the AGO2 gene which results in a phenylalanine to isoleucine amino acid change at residue 240 in the AGO2 protein. This novel variant has not been reported previously in individuals with AGO2-related disease, to our knowledge. This variant is absent from the gnomAD population database (0/~251000 alleles). The residue modified lies in AGO2 PAZ domain (UniProt). Phenylalanine is highly conserved at this protein position in vertebrates. Bioinformatic tools are inconclusive if this amino acid change is likely to be damaging or tolerated. Functiol studies assessing the effect of this variant on protein structure or activity have not been performed, to our knowledge. At this time, there is insufficient evidence to determine if this variant is pathogenic or benign. Therefore, we consider it to be a variant of uncertain significance. ACMG Criteria: PM2

NM_012154.5(AGO2):c.718T>A (p.Phe240Ile)

Gene: AGO2 (argonaute RISC catalytic component 2; minus strand). Cytogenetic location: 8q24.3.
Variant type: single nucleotide variant.
Coding change: c.718T>A on transcript NM_012154.5 (MANE Select); coding-DNA position 718, T replaced by A.
Protein change: p.Phe240Ile; replaces phenylalanine 240 with isoleucine.
Molecular consequence: missense variant.
Genome position (GRCh38, 1-based): chr8:140,559,467, A>T on the plus strand (T>A on the coding strand, the complement: AGO2 is on the minus strand). VCF-style: chr8-140559467-A-T. GRCh37 (hg19) VCF-style: chr8-141569566-A-T.
Other names: c.718T>A, p.Phe240Ile (NM_001164623.3); short protein forms F240I.
Identifiers: ClinVar variation 3376183 (VCV003376183.1).
Genomic context (GRCh38, chr8:140,559,467, plus strand): 5'-TGGTAAACTTTACCCTTTGGGAATCTGTCAGAGGTTTTTGTTGTTCTTCAATACTTTTAA[A>T]ATCCAAAACTTCACAAACAAACTCGATTACTGGCTGTGCCTTGTAAAACGCTGTTGCTGA-3'
Protein context (NP_036286.2, residues 230-250): VIEFVCEVLD[Phe240Ile]KSIEEQQKPL